The following is an entry in ClinVar:

ClinVar aggregate classification (germline): Uncertain significance (1 of 4 stars; one submission).

Allele frequency attached by ClinVar (database versions not stated): gnomAD exomes below 0.00001.
gnomAD v4.1: 1 of 1,606,846 alleles (0.000062%); highest among the groups gnomAD compares: African/African-American, 0.0013%; no homozygotes.

Submission:

Labcorp Genetics (formerly Invitae), Labcorp
Classification: Uncertain significance. Last evaluated: 2022-06-03. Review status: criteria provided, single submitter. Criteria: Invitae Variant Classification Sherloc (09022015). Collection method: clinical testing. Allele origin: germline.
Comment: This sequence change replaces glutamine, which is neutral and polar, with arginine, which is basic and polar, at codon 107 of the CEP250 protein (p.Gln107Arg). This variant is not present in population databases (gnomAD no frequency). This variant has not been reported in the literature in individuals affected with CEP250-related conditions. ClinVar contains an entry for this variant (Variation ID: 970189). Algorithms developed to predict the effect of missense changes on protein structure and function are either unavailable or do not agree on the potential impact of this missense change (SIFT: "Not Available"; PolyPhen-2: "Benign"; Align-GVGD: "Not Available"). In summary, the available evidence is currently insufficient to determine the role of this variant in disease. Therefore, it has been classified as a Variant of Uncertain Significance.

NM_007186.6(CEP250):c.320A>G (p.Gln107Arg)

Gene: CEP250 (centrosomal protein 250; plus strand). Cytogenetic location: 20q11.22.
Variant type: single nucleotide variant.
Coding change: c.320A>G on transcript NM_007186.6 (MANE Select); coding-DNA position 320, A replaced by G.
Protein change: p.Gln107Arg; replaces glutamine 107 with arginine.
Molecular consequence: missense variant. On other transcripts: 5 prime UTR variant (1).
Genome position (GRCh38, 1-based): chr20:35,465,819, A>G. VCF-style: chr20-35465819-A-G. GRCh37 (hg19) VCF-style: chr20-34053644-A-G.
Other names: c.-1580A>G (NM_001318219.1); short protein forms Q107R.
Identifiers: ClinVar variation 970189 (VCV000970189.10), dbSNP rs2062864788, ClinGen allele CA408752901.